The following is an entry in ClinVar:

ClinVar aggregate classification (germline): Pathogenic (1 of 4 stars; one submission).

Conditions:
Hereditary nonpolyposis colorectal neoplasms. Identifiers: MedGen C0009405, MeSH D003123.

Submission:

Labcorp Genetics (formerly Invitae), Labcorp
Classification: Pathogenic for Hereditary nonpolyposis colorectal neoplasms. Last evaluated: 2020-11-17. Review status: criteria provided, single submitter. Criteria: Invitae Variant Classification Sherloc (09022015). Collection method: clinical testing. Allele origin: germline.
Comment: This sequence change creates a premature translational stop signal (p.Ile1113Phefs*2) in the MSH6 gene. It is expected to result in an absent or disrupted protein product. Loss-of-function variants in MSH6 are known to be pathogenic (PMID: 18269114, 24362816). This variant is not present in population databases (ExAC no frequency). This variant has not been reported in the literature in individuals with MSH6-related conditions. For these reasons, this variant has been classified as Pathogenic.

Literature cited by the submitters: PubMed 18269114; PubMed 24362816.

NM_000179.3(MSH6):c.3337del (p.Ile1113fs)

Gene: MSH6 (mutS homolog 6; plus strand). Cytogenetic location: 2p16.3.
Variant type: Deletion.
Coding change: c.3337del on transcript NM_000179.3 (MANE Select); coding-DNA position 3337, one base deleted (A; older notation c.3337delA).
Protein change: p.Ile1113fs; shifts the reading frame from isoleucine 1113.
Molecular consequence: frameshift variant.
Genome position (GRCh38, 1-based): chr2:47,803,584, A deleted. VCF-style (leftmost placement, unchanged base first): chr2-47803583-CA-C. GRCh37 (hg19) VCF-style: chr2-48030722-CA-C.
Other names: c.2947del, p.Ile983fs (NM_001281492.2); c.2431del, p.Ile811fs (NM_001281493.2, NM_001281494.2); short protein forms I983fs, I1113fs, I811fs.
Identifiers: ClinVar variation 1432629 (VCV001432629.6), dbSNP rs2104480974, ClinGen allele CA2573134725.